The following is an entry in ClinVar:

ClinVar aggregate classification (germline): Uncertain significance (1 of 4 stars; one submission).

Conditions:
Spermatogenic failure 18. Identifiers: MedGen C4539783, MONDO:0054615, OMIM 617576.
Ciliary dyskinesia, primary, 37 (CILD37). Also called: CILIARY DYSKINESIA, PRIMARY, 37, WITH OR WITHOUT SITUS INVERSUS. Identifiers: MedGen C4539798, MONDO:0033204, OMIM 617577.

Allele frequency attached by ClinVar (database versions not stated): gnomAD exomes below 0.00001.
gnomAD v4.1: 5 of 1,613,746 alleles (0.00031%); highest among the groups gnomAD compares: Non-Finnish European, 0.00042%; no homozygotes.

Submission:

Labcorp Genetics (formerly Invitae), Labcorp
Classification: Uncertain significance for Ciliary dyskinesia, primary, 37; Spermatogenic failure 18. Last evaluated: 2023-05-08. Review status: criteria provided, single submitter. Criteria: Invitae Variant Classification Sherloc (09022015). Collection method: clinical testing. Allele origin: germline.
Comment: In summary, the available evidence is currently insufficient to determine the role of this variant in disease. Therefore, it has been classified as a Variant of Uncertain Significance. An algorithm developed to predict the effect of missense changes on protein structure and function (PolyPhen-2) suggests that this variant is likely to be tolerated. ClinVar contains an entry for this variant (Variation ID: 2104808). This variant has not been reported in the literature in individuals affected with DNAH1-related conditions. This variant is present in population databases (no rsID available, gnomAD 0.007%). This sequence change replaces alanine, which is neutral and non-polar, with serine, which is neutral and polar, at codon 23 of the DNAH1 protein (p.Ala23Ser).

NM_015512.5(DNAH1):c.67G>T (p.Ala23Ser)

Gene: DNAH1 (dynein axonemal heavy chain 1; plus strand). Cytogenetic location: 3p21.1.
Variant type: single nucleotide variant.
Coding change: c.67G>T on transcript NM_015512.5 (MANE Select); coding-DNA position 67, G replaced by T.
Protein change: p.Ala23Ser; replaces alanine 23 with serine.
Molecular consequence: missense variant.
Genome position (GRCh38, 1-based): chr3:52,322,509, G>T. VCF-style: chr3-52322509-G-T. GRCh37 (hg19) VCF-style: chr3-52356525-G-T.
Other names: short protein forms A23S.
Identifiers: ClinVar variation 2104808 (VCV002104808.4), dbSNP rs1214676887, ClinGen allele CA353083752.